The following is an entry in ClinVar:

NM_021020.5(LZTS1):c.865C>T (p.Leu289Phe)

Gene: LZTS1 (leucine zipper tumor suppressor 1; minus strand). Cytogenetic location: 8p21.3.
Variant type: single nucleotide variant.
Coding change: c.865C>T on transcript NM_021020.5 (MANE Select); coding-DNA position 865, C replaced by T.
Protein change: p.Leu289Phe; replaces leucine 289 with phenylalanine.
Molecular consequence: missense variant.
Genome position (GRCh38, 1-based): chr8:20,253,066, G>A on the plus strand (C>T on the coding strand, the complement: LZTS1 is on the minus strand). VCF-style: chr8-20253066-G-A. GRCh37 (hg19) VCF-style: chr8-20110577-G-A.
Other names: c.865C>T, p.Leu289Phe (NM_001362884.2); short protein forms L289F.
Identifiers: ClinVar variation 1898399 (VCV001898399.5), dbSNP rs773460700, ClinGen allele CA370477364.

ClinVar aggregate classification (germline): Uncertain significance (1 of 4 stars; one submission).

Submission:

Labcorp Genetics (formerly Invitae), Labcorp
Classification: Uncertain significance. Last evaluated: 2022-08-03. Review status: criteria provided, single submitter. Criteria: Invitae Variant Classification Sherloc (09022015). Collection method: clinical testing. Allele origin: germline.
Comment: In summary, the available evidence is currently insufficient to determine the role of this variant in disease. Therefore, it has been classified as a Variant of Uncertain Significance. Algorithms developed to predict the effect of missense changes on protein structure and function output the following: SIFT: "Tolerated"; PolyPhen-2: "Benign"; Align-GVGD: "Class C0". The phenylalanine amino acid residue is found in multiple mammalian species, which suggests that this missense change does not adversely affect protein function. This variant has not been reported in the literature in individuals affected with LZTS1-related conditions. This variant is not present in population databases (gnomAD no frequency). This sequence change replaces leucine, which is neutral and non-polar, with phenylalanine, which is neutral and non-polar, at codon 289 of the LZTS1 protein (p.Leu289Phe).